The following is an entry in ClinVar:

ClinVar aggregate classification (germline): Uncertain significance (1 of 4 stars; one submission).

gnomAD v4.1: 1 of 1,614,180 alleles (0.000062%); highest among the groups gnomAD compares: South Asian, 0.0011%; no homozygotes.

Submission:

Labcorp Genetics (formerly Invitae), Labcorp
Classification: Uncertain significance. Last evaluated: 2024-02-25. Review status: criteria provided, single submitter. Criteria: Invitae Variant Classification Sherloc (09022015). Collection method: clinical testing. Allele origin: germline.
Comment: This sequence change replaces methionine, which is neutral and non-polar, with threonine, which is neutral and polar, at codon 63 of the WNT3A protein (p.Met63Thr). This variant is present in population databases (rs749172940, gnomAD 0.003%). This variant has not been reported in the literature in individuals affected with WNT3A-related conditions. Advanced modeling of protein sequence and biophysical properties (such as structural, functional, and spatial information, amino acid conservation, physicochemical variation, residue mobility, and thermodynamic stability) performed at Invitae indicates that this missense variant is not expected to disrupt WNT3A protein function with a negative predictive value of 80%. In summary, the available evidence is currently insufficient to determine the role of this variant in disease. Therefore, it has been classified as a Variant of Uncertain Significance.

NM_033131.4(WNT3A):c.188T>C (p.Met63Thr)

Gene: WNT3A (Wnt family member 3A; plus strand). Cytogenetic location: 1q42.13.
Variant type: single nucleotide variant.
Coding change: c.188T>C on transcript NM_033131.4 (MANE Select); coding-DNA position 188, T replaced by C.
Protein change: p.Met63Thr; replaces methionine 63 with threonine.
Molecular consequence: missense variant.
Genome position (GRCh38, 1-based): chr1:228,022,783, T>C. VCF-style: chr1-228022783-T-C. GRCh37 (hg19) VCF-style: chr1-228210484-T-C.
Other names: short protein forms M63T.
Identifiers: ClinVar variation 3701562 (VCV003701562.2).